The following is an entry in ClinVar:

NM_014314.4(RIGI):c.2131C>T (p.Leu711Phe)

Gene: RIGI (RNA sensor RIG-I; minus strand). Cytogenetic location: 9p21.1.
Variant type: single nucleotide variant.
Coding change: c.2131C>T on transcript NM_014314.4 (MANE Select); coding-DNA position 2131, C replaced by T.
Protein change: p.Leu711Phe; replaces leucine 711 with phenylalanine.
Molecular consequence: missense variant. On other transcripts: intron variant (1).
Genome position (GRCh38, 1-based): chr9:32,467,816, G>A on the plus strand (C>T on the coding strand, the complement: RIGI is on the minus strand). VCF-style: chr9-32467816-G-A. GRCh37 (hg19) VCF-style: chr9-32467814-G-A.
Other names: c.2125C>T, p.Leu709Phe (NM_001385907.1); c.1690C>T, p.Leu564Phe (NM_001385910.1); c.1522C>T, p.Leu508Phe (NM_001385912.1); c.2116C>T, p.Leu706Phe (NM_001385913.1); c.1687C>T, p.Leu563Phe (NM_001385914.1); c.2015-1375C>T (NM_001385909.1); short protein forms L508F, L706F, L711F, L709F, L563F, L564F.
Identifiers: ClinVar variation 2998528 (VCV002998528.3), dbSNP rs1431057982, ClinGen allele CA373146082.

ClinVar aggregate classification (germline): Uncertain significance (1 of 4 stars; one submission).

Allele frequency attached by ClinVar (database versions not stated): TOPMed below 0.00001.

Submission:

Labcorp Genetics (formerly Invitae), Labcorp
Classification: Uncertain significance. Last evaluated: 2023-01-10. Review status: criteria provided, single submitter. Criteria: Invitae Variant Classification Sherloc (09022015). Collection method: clinical testing. Allele origin: germline.
Comment: This sequence change replaces leucine, which is neutral and non-polar, with phenylalanine, which is neutral and non-polar, at codon 711 of the DDX58 protein (p.Leu711Phe). This variant is not present in population databases (gnomAD no frequency). This variant has not been reported in the literature in individuals affected with DDX58-related conditions. Advanced modeling of protein sequence and biophysical properties (such as structural, functional, and spatial information, amino acid conservation, physicochemical variation, residue mobility, and thermodynamic stability) performed at Invitae indicates that this missense variant is not expected to disrupt DDX58 protein function. In summary, the available evidence is currently insufficient to determine the role of this variant in disease. Therefore, it has been classified as a Variant of Uncertain Significance.